The following is an entry in ClinVar:

NM_001018005.2(TPM1):c.240+4447G>C

Genes: TPM1 (tropomyosin 1; plus strand), TPM1-AS (TPM1 antisense RNA; minus strand), LOC130057222 (ATAC-STARR-seq lymphoblastoid silent region 6507; plus strand). Cytogenetic location: 15q22.2.
Variant type: single nucleotide variant.
Coding change: c.240+4447G>C on transcript NM_001018005.2 (MANE Select); 4447 bases into the intron after coding-DNA position 240, G replaced by C.
Molecular consequence: intron variant. On other transcripts: non-coding transcript variant (1), missense variant (8).
Genome position (GRCh38, 1-based): chr15:63,048,599, G>C. VCF-style: chr15-63048599-G-C. GRCh37 (hg19) VCF-style: chr15-63340798-G-C.
Other names: c.24G>C, p.Glu8Asp (NM_001018008.2, NM_001301289.2, NM_001330344.2 and 5 more transcripts); c.366+4447G>C (NM_001365778.1); c.240+4768G>C (NM_001018020.2, NM_001018007.2, NM_001301244.2); c.240+4447G>C (NM_001018006.2, NM_001365776.1, NM_001018004.2 and 3 more transcripts); short protein forms E8D.
Identifiers: ClinVar variation 379186 (VCV000379186.2), dbSNP rs768857765, ClinGen allele CA16606982.
Genomic context (GRCh38, chr15:63,048,599, plus strand): 5'-CCACTGCAGCCCTCCCGCCCGCCTACCGTCCGGCGCGATGGCGGGGAGTAGCTCGCTGGA[G>C]GCGGTGCGCAGGAAGATCCGGAGCCTGCAGGAGCAGGCGGACGCCGCTGAGGAGCGCGCG-3'

ClinVar aggregate classification (germline): Conflicting classifications of pathogenicity. Review status: criteria provided, conflicting classifications (1 of 4 stars). 2 submissions from 2 submitters: Uncertain significance (1); Likely benign (1). Last evaluated 2024-11-20.

Allele frequency attached by ClinVar (database versions not stated): gnomAD 0.00003; TOPMed 0.00005.
gnomAD v4.1: 54 of 1,532,156 alleles (0.0035%); highest among the groups gnomAD compares: Non-Finnish European, 0.0045%; no homozygotes.

Submissions (2):

ARUP Laboratories, Molecular Genetics and Genomics, ARUP Laboratories
Classification: Uncertain significance. Last evaluated: 2024-11-20. Review status: criteria provided, single submitter. Criteria: ARUP Molecular Germline Variant Investigation Process 2024. Collection method: clinical testing. Allele origin: germline.
Comment: The TPM1 c.24G>C; p.Glu8Asp variant (rs730880182, ClinVar Variation ID: 379186) is reported in the literature in an individuals affected with sudden cardiac arrest, but is presented without additional evidence of causality (Grondin 2022). This variant is only observed on one allele in the Genome Aggregation Database (v2.1.1), indicating it is not a common polymorphism. Computational analyses are uncertain whether this variant is neutral or deleterious (REVEL: 0.28). Due to limited information, the clinical significance of this variant is uncertain at this time. References: Grondin S et al. Importance of genetic testing in unexplained cardiac arrest. Eur Heart J. 2022 Aug 21;43(32):3071-3081. PMID: 35352813

GeneDx
Classification: Likely benign. Last evaluated: 2015-03-18. Review status: criteria provided, single submitter. Criteria: GeneDx Variant Classification (06012015). Collection method: clinical testing. Allele origin: germline. Affected: yes.
Comment: This variant is considered likely benign or benign based on one or more of the following criteria: it is a conservative change, it occurs at a poorly conserved position in the protein, it is predicted to be benign by multiple in silico algorithms, and/or has population frequency not consistent with disease.